The following is an entry in ClinVar:

ClinVar aggregate classification (germline): Uncertain significance (1 of 4 stars; one submission).

Conditions:
Cardiomyopathy (CMYO). Also called: Cardiomyopathies. Identifiers: Orphanet 167848, MedGen C0878544, MONDO:0004994, HP:0001638. Inheritance: Various modes of inheritance.

Submission:

Color Diagnostics, LLC DBA Color Health
Classification: Uncertain significance for Cardiomyopathy. Last evaluated: 2023-12-04. Review status: criteria provided, single submitter. Criteria: ACMG Guidelines, 2015. Collection method: clinical testing. Allele origin: germline.
Comment: This missense variant replaces glutamine with proline at codon 1640 of the MYH7 protein. Computational prediction suggests that this variant may have deleterious impact on protein structure and function (internally defined REVEL score threshold >= 0.7, PMID: 27666373). To our knowledge, functional studies have not been reported for this variant. This variant has not been reported in individuals affected with MYH7-related disorders in the literature. This variant has not been identified in the general population by the Genome Aggregation Database (gnomAD). The available evidence is insufficient to determine the role of this variant in disease conclusively. Therefore, this variant is classified as a Variant of Uncertain Significance.

NM_000257.4(MYH7):c.4919A>C (p.Gln1640Pro)

Genes: MHRT (myosin heavy chain associated RNA transcript; plus strand), MYH7 (myosin heavy chain 7; minus strand), LOC126861897 (BRD4-independent group 4 enhancer GRCh37_chr14:23884455-23885654; plus strand). Cytogenetic location: 14q11.2.
Variant type: single nucleotide variant.
Coding change: c.4919A>C on transcript NM_000257.4 (MANE Select); coding-DNA position 4919, A replaced by C.
Protein change: p.Gln1640Pro; replaces glutamine 1640 with proline.
Molecular consequence: missense variant. On other transcripts: non-coding transcript variant (1).
Genome position (GRCh38, 1-based): chr14:23,416,038, T>G on the plus strand (A>C on the coding strand, the complement: MYH7 is on the minus strand). VCF-style: chr14-23416038-T-G. GRCh37 (hg19) VCF-style: chr14-23885247-T-G.
Other names: short protein forms Q1640P.
Identifiers: ClinVar variation 920998 (VCV000920998.4), dbSNP rs756827282, ClinGen allele CA389037356.